The following is an entry in ClinVar:

ClinVar aggregate classification (germline): Pathogenic/Likely pathogenic. Review status: criteria provided, multiple submitters, no conflicts (2 of 4 stars). 4 submissions from 4 submitters: Pathogenic (1); Likely pathogenic (2). 1 of the submissions does not count toward it. Last evaluated 2024-07-11.

Conditions:
POGLUT1-related disorder. Also called: POGLUT1-related condition.
Autosomal recessive limb-girdle muscular dystrophy type 2R1 (LGMDR21). Also called: Muscular dystrophy, limb-girdle, type 2z; Autosomal recessive limb-girdle muscular dystrophy type 2Z. Identifiers: Orphanet 480682, MedGen C4310660, MONDO:0014977, OMIM 617232.

gnomAD v4.1: 31 of 1,613,888 alleles (0.0019%); highest among the groups gnomAD compares: Non-Finnish European, 0.0025%; no homozygotes.

Submissions (4):

Revvity Omics, Revvity
Classification: Likely pathogenic. Last evaluated: 2024-07-11. Review status: criteria provided, single submitter. Criteria: ACMG Guidelines, 2015. Collection method: clinical testing. Allele origin: germline.

Kariminejad - Najmabadi Pathology & Genetics Center
Classification: Likely pathogenic for Autosomal recessive limb-girdle muscular dystrophy type 2R1. Last evaluated: 2023-08-16. Review status: criteria provided, single submitter. Criteria: ACMG Guidelines, 2015. Collection method: clinical testing. Allele origin: germline. Inheritance: Autosomal recessive inheritance. Affected: yes.
Comment: PM2-moderate,PS3-strong,PP5,PP3?

Blueprint Genetics
Classification: Pathogenic for POGLUT1-related disorders. Last evaluated: 2022-08-01. Review status: criteria provided, single submitter. Criteria: ACMG Guidelines, 2015. Collection method: clinical testing. Allele origin: germline. Affected: yes. Observed: 2 variant alleles.

OMIM
Classification: Pathogenic for MUSCULAR DYSTROPHY, LIMB-GIRDLE, AUTOSOMAL RECESSIVE 21. Last evaluated: 2022-10-04. Review status: no assertion criteria provided. Collection method: literature only. Allele origin: germline. Not counted in ClinVar's aggregate classification.

Literature cited by the submitters: PubMed 31897643 (cited by OMIM).

NM_152305.3(POGLUT1):c.292C>T (p.Arg98Trp)

Gene: POGLUT1 (protein O-glucosyltransferase 1; plus strand). Cytogenetic location: 3q13.33.
Variant type: single nucleotide variant.
Coding change: c.292C>T on transcript NM_152305.3 (MANE Select); coding-DNA position 292, C replaced by T.
Protein change: p.Arg98Trp; replaces arginine 98 with tryptophan.
Molecular consequence: missense variant. On other transcripts: non-coding transcript variant (1).
Genome position (GRCh38, 1-based): chr3:119,471,424, C>T. VCF-style: chr3-119471424-C-T. GRCh37 (hg19) VCF-style: chr3-119190271-C-T.
Other names: R98W; c.292C>T, p.Arg98Trp (NM_020231.3).
Identifiers: ClinVar variation 1708167 (VCV001708167.5), dbSNP rs762277732, ClinGen allele CA2554795.